The following is an entry in ClinVar:

NM_001735.3(C5):c.1424C>T (p.Ala475Val)

Gene: C5 (complement C5; minus strand). Cytogenetic location: 9q33.2.
Variant type: single nucleotide variant.
Coding change: c.1424C>T on transcript NM_001735.3 (MANE Select); coding-DNA position 1424, C replaced by T.
Protein change: p.Ala475Val; replaces alanine 475 with valine.
Molecular consequence: missense variant.
Genome position (GRCh38, 1-based): chr9:121,020,058, G>A on the plus strand (C>T on the coding strand, the complement: C5 is on the minus strand). VCF-style: chr9-121020058-G-A. GRCh37 (hg19) VCF-style: chr9-123782336-G-A.
Other names: c.1442C>T, p.Ala481Val (NM_001317163.2); c.1424C>T, p.Ala475Val (NM_001317164.2); short protein forms A475V, A481V.
Identifiers: ClinVar variation 1416099 (VCV001416099.4), dbSNP rs151271738, ClinGen allele CA5218077.

ClinVar aggregate classification (germline): Uncertain significance. Review status: criteria provided, multiple submitters, no conflicts (2 of 4 stars). 2 submissions from 2 submitters: Uncertain significance (2). Last evaluated 2022-03-26.

Conditions:
Complement component 5 deficiency. Also called: C5 DEFICIENCY. Identifiers: MedGen C0343047, MONDO:0012295, OMIM 609536.
Eculizumab, poor response to. Identifiers: MedGen C3810402, OMIM 615749.

Allele frequency attached by ClinVar (database versions not stated): ESP Exome Variant Server 0.00008; gnomAD exomes 0.00009 and 0.00016; ExAC 0.00011; gnomAD 0.00012; TOPMed 0.00014.
gnomAD v4.1: 172 of 1,613,050 alleles (0.011%); highest among the groups gnomAD compares: Middle Eastern, 0.033%; no homozygotes.

Submissions (2):

Labcorp Genetics (formerly Invitae), Labcorp
Classification: Uncertain significance. Last evaluated: 2022-03-26. Review status: criteria provided, single submitter. Criteria: Invitae Variant Classification Sherloc (09022015). Collection method: clinical testing. Allele origin: germline.
Comment: This sequence change replaces alanine, which is neutral and non-polar, with valine, which is neutral and non-polar, at codon 475 of the C5 protein (p.Ala475Val). This variant is present in population databases (rs151271738, gnomAD 0.2%). This variant has not been reported in the literature in individuals affected with C5-related conditions. Algorithms developed to predict the effect of missense changes on protein structure and function output the following: SIFT: "Tolerated"; PolyPhen-2: "Benign"; Align-GVGD: "Class C0". The valine amino acid residue is found in multiple mammalian species, which suggests that this missense change does not adversely affect protein function. Algorithms developed to predict the effect of sequence changes on RNA splicing suggest that this variant may create or strengthen a splice site. In summary, the available evidence is currently insufficient to determine the role of this variant in disease. Therefore, it has been classified as a Variant of Uncertain Significance.

Fulgent Genetics
Classification: Uncertain significance for Complement component 5 deficiency; Eculizumab, poor response to. Last evaluated: 2022-01-18. Review status: criteria provided, single submitter. Criteria: ACMG Guidelines, 2015. Collection method: clinical testing. Allele origin: unknown.